The following is an entry in ClinVar:

NM_052947.4(ALPK2):c.6383T>C (p.Leu2128Pro)

Gene: ALPK2 (alpha kinase 2; minus strand). Cytogenetic location: 18q21.31.
Variant type: single nucleotide variant.
Coding change: c.6383T>C on transcript NM_052947.4 (MANE Select); coding-DNA position 6383, T replaced by C.
Protein change: p.Leu2128Pro; replaces leucine 2128 with proline.
Molecular consequence: missense variant.
Genome position (GRCh38, 1-based): chr18:58,481,953, A>G on the plus strand (T>C on the coding strand, the complement: ALPK2 is on the minus strand). VCF-style: chr18-58481953-A-G. GRCh37 (hg19) VCF-style: chr18-56149185-A-G.
Other names: short protein forms L2128P.
Identifiers: ClinVar variation 2626010 (VCV002626010.2), dbSNP rs2518842701, ClinGen allele CA402538606.
Genomic context (GRCh38, chr18:58,481,953, plus strand): 5'-CTTTTCCCAATGCTCGGCTGCTTCTGTTTCTGGTTGTTGTTTTGAAGGGATTTCAGTCCC[A>G]GCATTTTGCAATACTTGTTACACTGGTGTAGTGCTTTAAACTGATCAATGAAGGTCATGG-3'
Protein context (NP_443179.3, residues 2118-2138): LHQCNKYCKM[Leu2128Pro]GLKSLQNNNQ

ClinVar aggregate classification (germline): Uncertain significance (1 of 4 stars; one submission).

Submission:

Ambry Genetics
Classification: Uncertain significance. Last evaluated: 2023-07-27. Review status: criteria provided, single submitter. Criteria: Ambry Variant Classification Scheme 2023. Collection method: clinical testing. Allele origin: germline.
Comment: The p.L2128P variant (also known as c.6383T>C), located in coding exon 12 of the ALPK2 gene, results from a T to C substitution at nucleotide position 6383. The leucine at codon 2128 is replaced by proline, an amino acid with similar properties. This amino acid position is conserved. In addition, the in silico prediction for this alteration is inconclusive. Since supporting evidence is limited at this time, the clinical significance of this alteration remains unclear.